The following is an entry in ClinVar:

ClinVar aggregate classification (germline): Uncertain significance (1 of 4 stars; one submission).

Conditions:
Hereditary nonpolyposis colorectal neoplasms. Identifiers: MedGen C0009405, MeSH D003123.

Allele frequency attached by ClinVar (database versions not stated): gnomAD 0.00001.
gnomAD v4.1: 1 of 1,613,962 alleles (0.000062%); highest among the groups gnomAD compares: East Asian, 0.0022%; no homozygotes.

Submission:

Labcorp Genetics (formerly Invitae), Labcorp
Classification: Uncertain significance for Hereditary nonpolyposis colorectal neoplasms. Last evaluated: 2024-06-17. Review status: criteria provided, single submitter. Criteria: Invitae Variant Classification Sherloc (09022015). Collection method: clinical testing. Allele origin: germline.
Comment: This sequence change replaces threonine, which is neutral and polar, with alanine, which is neutral and non-polar, at codon 1221 of the MSH6 protein (p.Thr1221Ala). This variant is not present in population databases (gnomAD no frequency). This variant has not been reported in the literature in individuals affected with MSH6-related conditions. ClinVar contains an entry for this variant (Variation ID: 2123095). Advanced modeling of protein sequence and biophysical properties (such as structural, functional, and spatial information, amino acid conservation, physicochemical variation, residue mobility, and thermodynamic stability) has been performed at Invitae for this missense variant, however the output from this modeling did not meet the statistical confidence thresholds required to predict the impact of this variant on MSH6 protein function. In summary, the available evidence is currently insufficient to determine the role of this variant in disease. Therefore, it has been classified as a Variant of Uncertain Significance.

NM_000179.3(MSH6):c.3661A>G (p.Thr1221Ala)

Gene: MSH6 (mutS homolog 6; plus strand). Cytogenetic location: 2p16.3.
Variant type: single nucleotide variant.
Coding change: c.3661A>G on transcript NM_000179.3 (MANE Select); coding-DNA position 3661, A replaced by G.
Protein change: p.Thr1221Ala; replaces threonine 1221 with alanine.
Molecular consequence: missense variant.
Genome position (GRCh38, 1-based): chr2:47,806,218, A>G. VCF-style: chr2-47806218-A-G. GRCh37 (hg19) VCF-style: chr2-48033357-A-G.
Other names: c.3271A>G, p.Thr1091Ala (NM_001281492.2); c.2755A>G, p.Thr919Ala (NM_001281493.2, NM_001281494.2, NM_001406811.1 and 6 more transcripts); c.3757A>G, p.Thr1253Ala (NM_001406795.1, NM_001406802.1); c.3661A>G, p.Thr1221Ala (NM_001406796.1, NM_001406800.1, NM_001406808.1 and 1 more transcripts); c.3364A>G, p.Thr1122Ala (NM_001406797.1, NM_001406801.1, NM_001406805.1 and 10 more transcripts); c.3487A>G, p.Thr1163Ala (NM_001406798.1); c.3136A>G, p.Thr1046Ala (NM_001406799.1, NM_001406806.1, NM_001406807.1); c.2797A>G, p.Thr933Ala (NM_001406803.1); and 7 more; short protein forms T1163A, T170A, T919A, T1046A, T1091A, T699A, T933A, T1122A.
Identifiers: ClinVar variation 2123095 (VCV002123095.4), dbSNP rs1670041286, ClinGen allele CA346760833.